The following is an entry in ClinVar:

NM_001972.4(ELANE):c.622T>G (p.Cys208Gly)

Gene: ELANE (elastase, neutrophil expressed; plus strand). Cytogenetic location: 19p13.3.
Variant type: single nucleotide variant.
Coding change: c.622T>G on transcript NM_001972.4 (MANE Select); coding-DNA position 622, T replaced by G.
Protein change: p.Cys208Gly; replaces cysteine 208 with glycine.
Molecular consequence: missense variant.
Genome position (GRCh38, 1-based): chr19:855,982, T>G. VCF-style: chr19-855982-T-G. GRCh37 (hg19) VCF-style: chr19-855982-T-G.
Other names: short protein forms C208G.
Identifiers: ClinVar variation 1495685 (VCV001495685.8), dbSNP rs2145149526, ClinGen allele CA402918933.

ClinVar aggregate classification (germline): Likely pathogenic (1 of 4 stars; one submission).

Conditions:
Neutropenia, severe congenital, 1, autosomal dominant. Identifiers: MedGen C1859966, MONDO:0042490, OMIM 202700.
Cyclical neutropenia. Also called: Cyclic Neutropenia; Cyclic hematopoiesis. Identifiers: Orphanet 2686, MedGen C0221023, MONDO:0008090, OMIM 162800, HP:0040289. Disease mechanism: loss of function.

Submission:

Labcorp Genetics (formerly Invitae), Labcorp
Classification: Likely pathogenic for Neutropenia, severe congenital, 1, autosomal dominant; Cyclical neutropenia. Last evaluated: 2021-02-22. Review status: criteria provided, single submitter. Criteria: Invitae Variant Classification Sherloc (09022015). Collection method: clinical testing. Allele origin: germline.
Comment: This sequence change replaces cysteine with glycine at codon 208 of the ELANE protein (p.Cys208Gly). The cysteine residue is highly conserved and there is a large physicochemical difference between cysteine and glycine. This variant is not present in population databases (ExAC no frequency). This variant has been observed in individual(s) with neutropenia (PMID: 23463630, 25427142, Invitae). In at least one individual the variant was observed to be de novo. Algorithms developed to predict the effect of missense changes on protein structure and function (SIFT, PolyPhen-2, Align-GVGD) all suggest that this variant is likely to be disruptive, but these predictions have not been confirmed by published functional studies and their clinical significance is uncertain. In summary, the currently available evidence indicates that the variant is pathogenic, but additional data are needed to prove that conclusively. Therefore, this variant has been classified as Likely Pathogenic.

Literature cited by the submitters: PubMed 23463630; PubMed 25427142.